The following is an entry in ClinVar:

ClinVar aggregate classification (germline): Uncertain significance (1 of 4 stars; one submission).

Conditions:
Hereditary sensory neuropathy-deafness-dementia syndrome. Also called: HSN IE; Hereditary sensory neuropathy type IE; NEUROPATHY, HEREDITARY SENSORY, WITH HEARING LOSS AND DEMENTIA; Hereditary Sensory and Autonomic Neuropathy Type 1E (HSAN1E). Identifiers: Orphanet 456318, MedGen C3279885, MONDO:0013584, OMIM 614116.

Submission:

Labcorp Genetics (formerly Invitae), Labcorp
Classification: Uncertain significance for Hereditary sensory neuropathy-deafness-dementia syndrome. Last evaluated: 2023-12-11. Review status: criteria provided, single submitter. Criteria: Invitae Variant Classification Sherloc (09022015). Collection method: clinical testing. Allele origin: germline.
Comment: This sequence change replaces alanine, which is neutral and non-polar, with threonine, which is neutral and polar, at codon 1335 of the DNMT1 protein (p.Ala1335Thr). This variant is not present in population databases (gnomAD no frequency). This variant has not been reported in the literature in individuals affected with DNMT1-related conditions. Advanced modeling of protein sequence and biophysical properties (such as structural, functional, and spatial information, amino acid conservation, physicochemical variation, residue mobility, and thermodynamic stability) performed at Invitae indicates that this missense variant is expected to disrupt DNMT1 protein function with a positive predictive value of 80%. In summary, the available evidence is currently insufficient to determine the role of this variant in disease. Therefore, it has been classified as a Variant of Uncertain Significance.

NM_001130823.3(DNMT1):c.4003G>A (p.Ala1335Thr)

Gene: DNMT1 (DNA methyltransferase 1; minus strand). Cytogenetic location: 19p13.2.
Variant type: single nucleotide variant.
Coding change: c.4003G>A on transcript NM_001130823.3 (MANE Select); coding-DNA position 4003, G replaced by A.
Protein change: p.Ala1335Thr; replaces alanine 1335 with threonine.
Molecular consequence: missense variant.
Genome position (GRCh38, 1-based): chr19:10,138,551, C>T on the plus strand (G>A on the coding strand, the complement: DNMT1 is on the minus strand). VCF-style: chr19-10138551-C-T. GRCh37 (hg19) VCF-style: chr19-10249227-C-T.
Other names: c.3955G>A, p.Ala1319Thr (NM_001318730.2, NM_001379.4); c.3640G>A, p.Ala1214Thr (NM_001318731.2); short protein forms A1319T, A1214T, A1335T.
Identifiers: ClinVar variation 2702180 (VCV002702180.3), dbSNP rs2513774353, ClinGen allele CA403971175.
Genomic context (GRCh38, chr19:10,138,551, plus strand): 5'-AGGCCCGGGGAGCAAACACGTGCAGTGGCTCCGGGAACAGAGGGAGCTTCTCTCCAGGGG[C>T]CGCGGCCAGGATGATGGCCCGCCTCCTAGTCTGGGCCACGCCGTACTGACCGGCCTGTGG-3'
Protein context (NP_001124295.1, residues 1325-1345): TRRRAIILAA[Ala1335Thr]PGEKLPLFPE